The following is an entry in ClinVar:

NM_001394531.1(WDFY4):c.4874A>C (p.Asp1625Ala)

Gene: WDFY4 (WDFY family member 4; plus strand). Cytogenetic location: 10q11.23.
Variant type: single nucleotide variant.
Coding change: c.4874A>C on transcript NM_001394531.1 (MANE Select); coding-DNA position 4874, A replaced by C.
Protein change: p.Asp1625Ala; replaces aspartic acid 1625 with alanine.
Molecular consequence: missense variant.
Genome position (GRCh38, 1-based): chr10:48,810,565, A>C. VCF-style: chr10-48810565-A-C. GRCh37 (hg19) VCF-style: chr10-50018610-A-C.
Other names: c.4874A>C, p.Asp1625Ala (NM_020945.2); short protein forms D1625A.
Identifiers: ClinVar variation 3354793 (VCV003354793.1).
Genomic context (GRCh38, chr10:48,810,565, plus strand): 5'-ATTGGTTGCATTTATTAATCCCCAGGTCAAAGGAAGAGATGTTTCTGAAACTGGGGCCTG[A>C]CTGGTTCCTGCTGCTCCTGCAGGGCCACCTGCATGCCAGCACCACTGTGCTGGCATTGAA-3'
Protein context (NP_001381460.1, residues 1615-1635): KEEMFLKLGP[Asp1625Ala]WFLLLLQGHL

ClinVar aggregate classification (germline): Uncertain significance (0 of 4 stars; one submission).

Conditions:
WDFY4-related disorder. Also called: WDFY4-related condition.

Submission:

PreventionGenetics, part of Exact Sciences
Classification: Uncertain significance for WDFY4-related condition. Last evaluated: 2024-07-04. Review status: no assertion criteria provided. Collection method: clinical testing. Allele origin: germline.
Comment: The WDFY4 c.4874A>C variant is predicted to result in the amino acid substitution p.Asp1625Ala. To our knowledge, this variant has not been reported in the literature or in a large population database, indicating this variant is rare. At this time, the clinical significance of this variant is uncertain due to the absence of conclusive functional and genetic evidence.